The following is an entry in ClinVar:

NM_003482.4(KMT2D):c.6183+6G>T

Gene: KMT2D (lysine methyltransferase 2D; minus strand). Cytogenetic location: 12q13.12.
Variant type: single nucleotide variant.
Coding change: c.6183+6G>T on transcript NM_003482.4 (MANE Select); 6 bases into the intron after coding-DNA position 6183, G replaced by T.
Molecular consequence: intron variant.
Genome position (GRCh38, 1-based): chr12:49,041,911, C>A on the plus strand (G>T on the coding strand, the complement: KMT2D is on the minus strand). VCF-style: chr12-49041911-C-A. GRCh37 (hg19) VCF-style: chr12-49435694-C-A.
Identifiers: ClinVar variation 3611108 (VCV003611108.2).

ClinVar aggregate classification (germline): Uncertain significance (1 of 4 stars; one submission).

Conditions:
Kabuki syndrome. Also called: NIIKAWA-KUROKI SYNDROME; Kabuki make-up syndrome. Identifiers: Orphanet 2322, MedGen C0796004, MONDO:0016512.

Submission:

Labcorp Genetics (formerly Invitae), Labcorp
Classification: Uncertain significance for Kabuki syndrome. Last evaluated: 2024-05-17. Review status: criteria provided, single submitter. Criteria: Invitae Variant Classification Sherloc (09022015). Collection method: clinical testing. Allele origin: germline.
Comment: This sequence change falls in intron 29 of the KMT2D gene. It does not directly change the encoded amino acid sequence of the KMT2D protein. It affects a nucleotide within the consensus splice site. This variant is not present in population databases (gnomAD no frequency). This variant has not been reported in the literature in individuals affected with KMT2D-related conditions. Variants that disrupt the consensus splice site are a relatively common cause of aberrant splicing (PMID: 17576681, 9536098). Algorithms developed to predict the effect of sequence changes on RNA splicing suggest that this variant is not likely to affect RNA splicing. In summary, the available evidence is currently insufficient to determine the role of this variant in disease. Therefore, it has been classified as a Variant of Uncertain Significance.

Literature cited by the submitters: PubMed 17576681; PubMed 9536098.